The following is an entry in ClinVar:

ClinVar aggregate classification (germline): Uncertain significance (1 of 4 stars; one submission).

Submission:

GeneDx
Classification: Uncertain significance. Last evaluated: 2025-03-30. Review status: criteria provided, single submitter. Criteria: GeneDx Variant Classification Process June 2021. Collection method: clinical testing. Allele origin: germline. Affected: yes.
Comment: Not observed at significant frequency in large population cohorts (gnomAD); In silico analysis indicates that this missense variant does not alter protein structure/function; Has not been previously published as pathogenic or benign to our knowledge

NM_025137.4(SPG11):c.4808G>T (p.Cys1603Phe)

Gene: SPG11 (SPG11 vesicle trafficking associated, spatacsin; minus strand). Cytogenetic location: 15q21.1.
Variant type: single nucleotide variant.
Coding change: c.4808G>T on transcript NM_025137.4 (MANE Select); coding-DNA position 4808, G replaced by T.
Protein change: p.Cys1603Phe; replaces cysteine 1603 with phenylalanine.
Molecular consequence: missense variant.
Genome position (GRCh38, 1-based): chr15:44,589,350, C>A on the plus strand (G>T on the coding strand, the complement: SPG11 is on the minus strand). VCF-style: chr15-44589350-C-A. GRCh37 (hg19) VCF-style: chr15-44881548-C-A.
Other names: c.4808G>T, p.Cys1603Phe (NM_001160227.2, NM_001411132.1); short protein forms C1603F.
Identifiers: ClinVar variation 4278782 (VCV004278782.1).